The following is an entry in ClinVar:

NM_178857.6(RP1L1):c.1428G>A (p.Pro476=)

Gene: RP1L1 (RP1 like 1). Cytogenetic location: 8p23.1.
Variant type: single nucleotide variant.
Coding change: c.1428G>A on transcript NM_178857.6 (MANE Select); coding-DNA position 1428, G replaced by A.
Protein change: p.Pro476=; no amino-acid change (proline 476 retained).
Molecular consequence: synonymous variant.
Genome position (GRCh38, 1-based): chr8:10,612,670, C>T on the plus strand (G>A on the coding strand, the complement: RP1L1 is on the minus strand). VCF-style: chr8-10612670-C-T. GRCh37 (hg19) VCF-style: chr8-10470180-C-T.
Other names: c.1428G>A (NM_178857.5).
Identifiers: ClinVar variation 4899368 (VCV004899368.2).
Genomic context (GRCh38, chr8:10,612,670, plus strand): 5'-TCCAGCTTTCCGCTCAGCCCCTATCTGGGCAGAGGGGCTGGCACTGTCCACCCCGTCCTC[C>T]GGGGTCCTGGGGCAGCAGGAGGACTCTGGCTCCGAGCCCTCGGGGAGGCCGGTGCTGGAG-3'
Protein context (NP_849188.4, residues 466-486): EPESSCCPRT[Pro476=]EDGVDSASPS

ClinVar aggregate classification (germline): Likely benign. Review status: criteria provided, multiple submitters, no conflicts (2 of 4 stars). 2 submissions from 2 submitters: Likely benign (2). Last evaluated 2025-02-05.

Conditions:
RP1L1-related disorder. Also called: RP1L1-related condition.

Submissions (2):

PreventionGenetics, part of Exact Sciences
Classification: Likely benign for RP1L1-related condition. Last evaluated: 2025-02-05. Review status: criteria provided, single submitter. Criteria: ACMG Guidelines, 2015. Collection method: clinical testing. Allele origin: germline.
Comment: This variant is classified as likely benign based on ACMG/AMP sequence variant interpretation guidelines (Richards et al. 2015 PMID: 25741868, with internal and published modifications).

Blueprint Genetics
Classification: Likely benign. Last evaluated: 2021-08-06. Review status: criteria provided, single submitter. Criteria: ACMG Guidelines, 2015. Collection method: clinical testing. Allele origin: germline.